The following is an entry in ClinVar:

ClinVar aggregate classification (germline): Uncertain significance. Review status: criteria provided, multiple submitters, no conflicts (2 of 4 stars). 2 submissions from 2 submitters: Uncertain significance (2). Last evaluated 2026-01-02.

Conditions:
Cardiovascular phenotype. Identifiers: MedGen CN230736.
Tetralogy of Fallot (TOF). Identifiers: Orphanet 3303, MedGen C0039685, MONDO:0008542, OMIM 187500, HP:0001636.
Ventricular septal defect 1 (VSD1). Identifiers: MedGen C3280777, MONDO:0013746, OMIM 614429.
Atrial septal defect 2 (ASD2). Identifiers: Orphanet 1478, MedGen C1842778, MONDO:0011938, OMIM 607941.
Atrioventricular septal defect 4 (AVSD4). Identifiers: MedGen C3280781, MONDO:0013747, OMIM 614430.

Submissions (2):

Clinical Genomics Laboratory, Washington University in St. Louis
Classification: Uncertain significance for Atrial septal defect 2; Atrioventricular septal defect 4; Tetralogy of Fallot; Ventricular septal defect 1. Last evaluated: 2026-01-02. Review status: criteria provided, single submitter. Criteria: ACMG Guidelines, 2015. Collection method: clinical testing. Allele origin: germline.
Comment: The GATA4 c.415G>A (p.Ala139Thr) variant has not been reported in the medical literature to our knowledge. This variant is absent from the general population (gnomAD v.2.1.1), indicating it is not a common variant. Computational predictors are uncertain as to the impact of this variant on GATA4 function. Due to limited information, and based on ACMG/AMP guidelines for variant interpretation (Richards S et al., PMID: 25741868), the clinical significance of this variant is uncertain at this time.

Ambry Genetics
Classification: Uncertain significance for Cardiovascular phenotype. Last evaluated: 2025-08-03. Review status: criteria provided, single submitter. Criteria: Ambry Variant Classification Scheme 2023. Collection method: clinical testing. Allele origin: germline.
Comment: The p.A139T variant (also known as c.415G>A), located in coding exon 1 of the GATA4 gene, results from a G to A substitution at nucleotide position 415. The alanine at codon 139 is replaced by threonine, an amino acid with similar properties. This amino acid position is conserved. In addition, the in silico prediction for this alteration is inconclusive. Based on the available evidence, the clinical significance of this variant remains unclear.

NM_001308093.3(GATA4):c.415G>A (p.Ala139Thr)

Gene: GATA4 (GATA binding protein 4). Cytogenetic location: 8p23.1.
Variant type: single nucleotide variant.
Coding change: c.415G>A on transcript NM_001308093.3 (MANE Select); coding-DNA position 415, G replaced by A.
Protein change: p.Ala139Thr; replaces alanine 139 with threonine.
Molecular consequence: missense variant. On other transcripts: intron variant (3).
Genome position (GRCh38, 1-based): chr8:11,708,727, G>A. VCF-style: chr8-11708727-G-A. GRCh37 (hg19) VCF-style: chr8-11566236-G-A.
Other names: c.415G>A, p.Ala139Thr (NM_002052.5); c.-6+7949G>A (NM_001308094.2); c.-3+713G>A (NM_001374274.1); c.-3+4423G>A (NM_001374273.1); short protein forms A139T.
Identifiers: ClinVar variation 4262171 (VCV004262171.2).